The following is an entry in ClinVar:

ClinVar aggregate classification (germline): Uncertain significance (1 of 4 stars; one submission).

Allele frequency attached by ClinVar (database versions not stated): gnomAD exomes 0.00008; ExAC 0.00009; gnomAD 0.00034 and 0.00038; TOPMed 0.00037; ESP Exome Variant Server 0.00069.
gnomAD v4.1: 87 of 1,611,868 alleles (0.0054%); highest among the groups gnomAD compares: African/African-American, 0.11%; no homozygotes.

Submission:

Labcorp Genetics (formerly Invitae), Labcorp
Classification: Uncertain significance. Last evaluated: 2022-09-06. Review status: criteria provided, single submitter. Criteria: Invitae Variant Classification Sherloc (09022015). Collection method: clinical testing. Allele origin: germline.
Comment: This sequence change falls in intron 24 of the SZT2 gene. It does not directly change the encoded amino acid sequence of the SZT2 protein. It affects a nucleotide within the consensus splice site. This variant is present in population databases (rs367589523, gnomAD 0.1%). This variant has not been reported in the literature in individuals affected with SZT2-related conditions. ClinVar contains an entry for this variant (Variation ID: 952064). Variants that disrupt the consensus splice site are a relatively common cause of aberrant splicing (PMID: 17576681, 9536098). Algorithms developed to predict the effect of sequence changes on RNA splicing suggest that this variant is not likely to affect RNA splicing. In summary, the available evidence is currently insufficient to determine the role of this variant in disease. Therefore, it has been classified as a Variant of Uncertain Significance.

Literature cited by the submitters: PubMed 17576681; PubMed 9536098.

NM_001365999.1(SZT2):c.3598+6G>C

Gene: SZT2 (SZT2 subunit of KICSTOR complex; plus strand). Cytogenetic location: 1p34.2.
Variant type: single nucleotide variant.
Coding change: c.3598+6G>C on transcript NM_001365999.1 (MANE Select); 6 bases into the intron after coding-DNA position 3598, G replaced by C.
Molecular consequence: intron variant.
Genome position (GRCh38, 1-based): chr1:43,427,451, G>C. VCF-style: chr1-43427451-G-C. GRCh37 (hg19) VCF-style: chr1-43893122-G-C.
Other names: c.3427+6G>C (NM_015284.4).
Identifiers: ClinVar variation 952064 (VCV000952064.7), dbSNP rs367589523, ClinGen allele CA809030.